The following is an entry in ClinVar:

NM_001126108.2(SLC12A3):c.3041del (p.Asn1014fs)

Genes: SLC12A3 (solute carrier family 12 member 3; plus strand), LOC126862361 (CDK7 strongly-dependent group 2 enhancer GRCh37_chr16:56946332-56947531; plus strand). Cytogenetic location: 16q13.
Variant type: Deletion.
Coding change: c.3041del on transcript NM_001126108.2 (MANE Select); coding-DNA position 3041, one base deleted (A; older notation c.3041delA).
Protein change: p.Asn1014fs; shifts the reading frame from asparagine 1014.
Molecular consequence: frameshift variant.
Genome position (GRCh38, 1-based): chr16:56,913,380, A deleted; the last of 4 consecutive A bases (chr16:56,913,377-56,913,380); deleting any one gives the same sequence. VCF-style (leftmost placement, unchanged base first): chr16-56913376-GA-G. GRCh37 (hg19) VCF-style: chr16-56947288-GA-G.
Other names: c.3068del, p.Asn1023fs (NM_000339.3); c.3065del, p.Asn1022fs (NM_001126107.2); c.3038delA, p.Asn1013Thrfs (NM_001410896.1); short protein forms N1014fs, N1022fs, N1023fs.
Identifiers: ClinVar variation 1981622 (VCV001981622.4), dbSNP rs2543584889, ClinGen allele CA2580091669.
Genomic context (GRCh38, chr16:56,913,376, plus strand): 5'-TGGCTGGAGACCCTGTCCCAGGACCTCAGACCTCCAGTCATCCTGATCCGAGGAAACCAG[GA>G]AAACGTGCTCACCTTTTACTGCCAGTAACTCCAGGCTTTGACATCCCTGTCCACAGCTCT-3'

ClinVar aggregate classification (germline): Pathogenic (1 of 4 stars; one submission).

Submission:

Labcorp Genetics (formerly Invitae), Labcorp
Classification: Pathogenic. Last evaluated: 2022-10-28. Review status: criteria provided, single submitter. Criteria: Invitae Variant Classification Sherloc (09022015). Collection method: clinical testing. Allele origin: germline.
Comment: This variant has not been reported in the literature in individuals affected with SLC12A3-related conditions. This variant is not present in population databases (gnomAD no frequency). This sequence change results in a frameshift in the SLC12A3 gene (p.Asn1023Thrfs*13). While this is not anticipated to result in nonsense mediated decay, it is expected to disrupt the last 8 amino acid(s) of the SLC12A3 protein and extend the protein by 4 additional amino acid residues. For these reasons, this variant has been classified as Pathogenic. This variant disrupts a region of the SLC12A3 protein in which other variant(s) (p.Thr1026Ile) have been determined to be pathogenic (PMID: 18391953, 21415153). This suggests that this is a clinically significant region of the protein, and that variants that disrupt it are likely to be disease-causing.

Literature cited by the submitters: PubMed 18391953; PubMed 21415153.